The following is an entry in ClinVar:

ClinVar aggregate classification (germline): Likely benign. Review status: criteria provided, multiple submitters, no conflicts (2 of 4 stars). 3 submissions from 3 submitters: Likely benign (2). 1 of the submissions does not count toward it. Last evaluated 2024-05-20.

Conditions:
Hereditary cancer-predisposing syndrome. Also called: Tumor predisposition; Hereditary Cancer Syndrome; Hereditary neoplastic syndrome; Neoplastic Syndromes, Hereditary. Identifiers: Orphanet 140162, MedGen C0027672, MeSH D009386, MONDO:0015356.
Hereditary breast ovarian cancer syndrome. Also called: BRCA1- and BRCA2-Associated Hereditary Breast and Ovarian Cancer; Hereditary breast and ovarian cancer; Hereditary breast and ovarian cancer syndrome (HBOC); Hereditary breast and/or ovarian cancer syndrome; Hereditary breast and ovarian cancer syndrome; Breast and ovarian cancer. Identifiers: Orphanet 145, MedGen C0677776, MeSH D061325, MONDO:0003582. Disease mechanism: loss of function.
BRCA2-related disorder. Also called: BRCA2-related disorders; BRCA2-related condition. Identifiers: MedGen CN239275.

Submissions (3):

Labcorp Genetics (formerly Invitae), Labcorp
Classification: Likely benign for Hereditary breast ovarian cancer syndrome. Last evaluated: 2024-05-20. Review status: criteria provided, single submitter. Criteria: Invitae Variant Classification Sherloc (09022015). Collection method: clinical testing. Allele origin: germline.

Ambry Genetics
Classification: Likely benign for Hereditary cancer-predisposing syndrome. Last evaluated: 2023-08-01. Review status: criteria provided, single submitter. Criteria: Ambry Variant Classification Scheme 2023. Collection method: clinical testing. Allele origin: germline.

PreventionGenetics, part of Exact Sciences
Classification: Likely benign for BRCA2-related condition. Last evaluated: 2024-02-22. Review status: no assertion criteria provided. Collection method: clinical testing. Allele origin: germline. Not counted in ClinVar's aggregate classification.
Comment: This variant is classified as likely benign based on ACMG/AMP sequence variant interpretation guidelines (Richards et al. 2015 PMID: 25741868, with internal and published modifications).

NM_000059.4(BRCA2):c.4615T>C (p.Leu1539=)

Gene: BRCA2 (BRCA2 DNA repair associated; plus strand). Cytogenetic location: 13q13.1.
Variant type: single nucleotide variant.
Coding change: c.4615T>C on transcript NM_000059.4 (MANE Select); coding-DNA position 4615, T replaced by C.
Protein change: p.Leu1539=; no amino-acid change (leucine 1539 retained).
Molecular consequence: synonymous variant. On other transcripts: non-coding transcript variant (1), intron variant (2).
Genome position (GRCh38, 1-based): chr13:32,338,970, T>C. VCF-style: chr13-32338970-T-C. GRCh37 (hg19) VCF-style: chr13-32913107-T-C.
Other names: c.4615T>C, p.Leu1539= (NM_001406719.1, NM_001406720.1); c.1909+5583T>C (NM_001406721.1); c.425-5588T>C (NM_001406722.1).
Identifiers: ClinVar variation 1994485 (VCV001994485.8), dbSNP rs2548528851, ClinGen allele CA483438072.